The following is an entry in ClinVar:

ClinVar aggregate classification (germline): Likely pathogenic. Review status: criteria provided, multiple submitters, no conflicts (2 of 4 stars). 2 submissions from 2 submitters: Likely pathogenic (2). Last evaluated 2024-04-01.

Conditions:
X-linked Alport syndrome (ATS1). Also called: COL4A5-Related Nephropathy; NEPHROPATHY AND DEAFNESS, X-LINKED. Identifiers: Orphanet 63, Orphanet 88917, MedGen C4746986, MONDO:0010520, OMIM 301050.

Submissions (2):

GeneDx
Classification: Likely pathogenic. Last evaluated: 2024-04-01. Review status: criteria provided, single submitter. Criteria: GeneDx Variant Classification Process June 2021. Collection method: clinical testing. Allele origin: germline. Affected: yes.
Comment: In-frame deletion of 3 amino acids within the triple helical domain expected to disrupt normal protein folding and function; Not observed at significant frequency in large population cohorts (gnomAD); In silico analysis supports a deleterious effect on protein structure/function; Has not been previously published as pathogenic or benign to our knowledge

MVZ Martinsried, Medicover Genetics
Classification: Likely pathogenic for X-linked Alport syndrome. Last evaluated: 2023-05-08. Review status: criteria provided, single submitter. Criteria: ACGS Guidelines, 2020. Collection method: clinical testing. Allele origin: unknown. Affected: yes.

NM_033380.3(COL4A5):c.3073_3081del (p.Leu1025_Gly1027del)

Gene: COL4A5 (collagen type IV alpha 5 chain; plus strand). Cytogenetic location: Xq22.3.
Variant type: Deletion.
Coding change: c.3073_3081del on transcript NM_033380.3 (MANE Select); coding-DNA positions 3073 to 3081, 9 bases deleted (CTTAAAGGA; older notation c.3073_3081delCTTAAAGGA).
Protein change: p.Leu1025_Gly1027del.
Molecular consequence: inframe deletion.
Genome position (GRCh38, 1-based): chrX:108,625,761-108,625,769, CTTAAAGGA deleted; deleting any 9 consecutive bases within chrX:108,625,758-108,625,769 gives the same sequence; the c. name uses the placement nearest the transcript's 3' end. VCF-style (leftmost placement, unchanged base first): chrX-108625757-TGGACTTAAA-T. GRCh37 (hg19) VCF-style: chrX-107868987-TGGACTTAAA-T.
Other names: c.3073_3081del, p.Leu1025_Gly1027del (NM_000495.5); c.3073_3081del (NM_033380.1).
Identifiers: ClinVar variation 2683947 (VCV002683947.2), dbSNP rs2524420389, ClinGen allele CA2697544690.
Genomic context (GRCh38, chrX:108,625,757, plus strand): 5'-CTTTCTAGGTCCCAAAGGTAACCCTGGTCTCCCTGGACAGCCAGGTCTTATAGGACCTCC[TGGACTTAAA>T]GGAACCATCGGTGATATGGGTTTTCCAGGTGAGTGATGAAAATCTTCCAAATATTTAGTC-3'